The following is an entry in ClinVar:

ClinVar aggregate classification (germline): Benign/Likely benign. Review status: criteria provided, multiple submitters, no conflicts (2 of 4 stars). 6 submissions from 6 submitters: Benign (1); Likely benign (5). Last evaluated 2026-05-22.

Conditions:
Hereditary cancer-predisposing syndrome. Also called: Tumor predisposition; Hereditary neoplastic syndrome; Neoplastic Syndromes, Hereditary; Hereditary Cancer Syndrome. Identifiers: Orphanet 140162, MedGen C0027672, MeSH D009386, MONDO:0015356.
Neurofibromatosis, familial spinal (FSNF). Identifiers: Orphanet 636, MedGen C1834235, MONDO:0008078, OMIM 162210. Disease mechanism: loss of function.
Neurofibromatosis-Noonan syndrome (NFNS). Also called: NEUROFIBROMATOSIS WITH NOONAN PHENOTYPE. Identifiers: Orphanet 638, MedGen C2931482, MONDO:0011035, OMIM 601321. Disease mechanism: loss of function.
Café-au-lait macules with pulmonary stenosis (WTSN). Also called: PULMONIC STENOSIS WITH CAFE-AU-LAIT SPOTS. Identifiers: MedGen C0553586, MONDO:0008672, OMIM 193520.
Juvenile myelomonocytic leukemia (JMML). Also called: LEUKEMIA, JUVENILE MYELOMONOCYTIC, SOMATIC. Identifiers: Orphanet 86834, MedGen C0349639, MONDO:0011908, OMIM 607785, HP:0012209.
Neurofibromatosis, type 1 (NF1). Also called: Neurofibromatosis, type I; NEUROFIBROMATOSIS, TYPE I, SOMATIC; VON RECKLINGHAUSEN DISEASE; Peripheral type neurofibromatosis. Identifiers: Orphanet 636, MedGen C0027831, MONDO:0018975, OMIM 162200. Disease mechanism: loss of function.

Allele frequency attached by ClinVar (database versions not stated): gnomAD exomes below 0.00001; ExAC 0.00001; 1000 Genomes Project 0.00020; 1000 Genomes Project 30x 0.00031; ESP Exome Variant Server 0.00008; gnomAD 0.00003; TOPMed 0.00003.
gnomAD v4.1: 7 of 1,614,088 alleles (0.00043%); highest among the groups gnomAD compares: African/African-American, 0.0093%; no homozygotes.

Submissions (6):

Myriad Genetics, Inc.
Classification: Benign for Neurofibromatosis, type 1. Last evaluated: 2026-05-22. Review status: criteria provided, single submitter. Criteria: Myriad Autosomal Dominant, Autosomal Recessive and X-Linked Classification Criteria (2023). Collection method: clinical testing. Allele origin: unknown.
Comment: This variant is considered benign. This variant is a silent/synonymous amino acid change and it is not expected to impact splicing.

Labcorp Genetics (formerly Invitae), Labcorp
Classification: Likely benign for Neurofibromatosis, type 1. Last evaluated: 2026-01-31. Review status: criteria provided, single submitter. Criteria: Invitae Variant Classification Sherloc (09022015). Collection method: clinical testing. Allele origin: germline.

Women's Health and Genetics/Laboratory Corporation of America, LabCorp
Classification: Likely benign. Last evaluated: 2022-05-16. Review status: criteria provided, single submitter. Criteria: LabCorp Variant Classification Summary - May 2015. Collection method: clinical testing. Allele origin: germline.
Comment: Variant summary: NF1 c.8421C>T alters a conserved nucleotide resulting in a synonymous change. 4/4 computational tools predict no significant impact on normal splicing. However, these predictions have yet to be confirmed by functional studies. The variant was absent in 251312 control chromosomes. The available data on variant occurrences in the general population are insufficient to allow any conclusion about variant significance. To our knowledge, no occurrence of c.8421C>T in individuals affected with Neurofibromatosis Type 1 and no experimental evidence demonstrating its impact on protein function have been reported. Two clinical diagnostic laboratories have submitted clinical-significance assessments for this variant to ClinVar after 2014 without evidence for independent evaluation. Both laboratories classified the variant as likely benign. Based on the evidence outlined above, the variant was classified as likely benign.

Genome-Nilou Lab
Classification: Likely benign for Neurofibromatosis, type 1. Last evaluated: 2022-03-15. Review status: criteria provided, single submitter. Criteria: ACMG Guidelines, 2015. Collection method: clinical testing. Allele origin: germline. Affected: no.

Fulgent Genetics
Classification: Likely benign for Neurofibromatosis, type 1; Neurofibromatosis, familial spinal; Café-au-lait macules with pulmonary stenosis; Neurofibromatosis-Noonan syndrome; Juvenile myelomonocytic leukemia. Last evaluated: 2021-10-06. Review status: criteria provided, single submitter. Criteria: ACMG Guidelines, 2015. Collection method: clinical testing. Allele origin: unknown.

Ambry Genetics
Classification: Likely benign for Hereditary cancer-predisposing syndrome. Last evaluated: 2016-08-12. Review status: criteria provided, single submitter. Criteria: Ambry Autosomal Dominant and X-Linked criteria (10/2015). Collection method: clinical testing. Allele origin: germline. Observed: 1 variant allele.

NM_001042492.3(NF1):c.8484C>T (p.Gly2828=)

Gene: NF1 (neurofibromin 1; plus strand). Cytogenetic location: 17q11.2.
Variant type: single nucleotide variant.
Coding change: c.8484C>T on transcript NM_001042492.3 (MANE Select); coding-DNA position 8484, C replaced by T.
Protein change: p.Gly2828=; no amino-acid change (glycine 2828 retained).
Molecular consequence: synonymous variant.
Genome position (GRCh38, 1-based): chr17:31,374,119, C>T. VCF-style: chr17-31374119-C-T. GRCh37 (hg19) VCF-style: chr17-29701137-C-T.
Other names: c.8421C>T, p.Gly2807= (NM_000267.4).
Identifiers: ClinVar variation 184723 (VCV000184723.15), dbSNP rs143289497, ClinGen allele CA189857.